The following is an entry in ClinVar:

ClinVar aggregate classification (germline): Pathogenic/Likely pathogenic. Review status: criteria provided, multiple submitters, no conflicts (2 of 4 stars). 22 submissions from 22 submitters: Pathogenic (15); Likely pathogenic (6). 1 of the submissions does not count toward it. Last evaluated 2026-08-25.

Conditions:
EYS-related disorder. Also called: EYS-related condition.
Retinal dystrophy. Also called: Inherited retinal dystrophy. Identifiers: Orphanet 71862, MedGen C0854723, MeSH D058499, MONDO:0019118, HP:0000556.
Retinitis pigmentosa (RP). Identifiers: Orphanet 791, MedGen C0035334, MeSH D012174, MONDO:0019200, OMIM 268000. Inheritance: Autosomal dominant, autosomal recessive and X linked inheritance.
Retinitis pigmentosa 25 (RP25). Identifiers: Orphanet 791, MedGen C1864446, MONDO:0011272, OMIM 602772.

Allele frequency attached by ClinVar (database versions not stated): ExAC 0.00005; gnomAD exomes 0.00005 and 0.00014; gnomAD 0.00007; TOPMed 0.00009.
gnomAD v4.1: 83 of 1,543,586 alleles (0.0054%); highest among the groups gnomAD compares: East Asian, 0.071%; no homozygotes.

Submissions 1 to 15 of 22:

PreventionGenetics, part of Exact Sciences
Classification: Pathogenic for EYS-related condition. Last evaluated: 2026-08-25. Review status: criteria provided, single submitter. Criteria: ACMG Guidelines, 2015. Collection method: clinical testing. Allele origin: germline.
Comment: The EYS c.6416G>A variant is predicted to result in the amino acid substitution p.Cys2139Tyr. This variant has been reported many times, either in the homozygous state or in the heterozygous state along with a second potentially causative variant, in individuals with retinal disease (see for examples: Table S5, Huang et al. 2014. PubMed ID: 25356976; Table S2, Zampaglione et al. 2020. PubMed ID: 32037395; Table S1, Lin et al. 2024. PubMed ID: 38219857). This variant is present in 0.18% of alleles in individuals of East Asian descent in gnomAD, indicating it is relatively common in this population. This variant is interpreted as pathogenic.

GeneDx
Classification: Pathogenic. Last evaluated: 2026-03-26. Review status: criteria provided, single submitter. Criteria: GeneDx Variant Classification Process June 2021. Collection method: clinical testing. Allele origin: germline.
Comment: In silico analysis, which includes protein predictors and evolutionary conservation, supports a deleterious effect; This variant is associated with the following publications: (PMID: 20237254, 25366773, 25356976, 25753737, 30804660, 24670872, 21519034, 27375351, 29550188, 37418643, 33608557, 31964843, 36464167, 36729443, 36819107, 37217489, 37734845, 34906470, 33090715, 32037395, 39970144, 38219857, 39932467, 38531366, 40461169, 39988772, 24618324, 24938718, 31054281, 31872526, 20333770, 32531858, 31960602, 32100970)

Natera, Inc.
Classification: Pathogenic for Retinitis pigmentosa type 25. Last evaluated: 2026-01-30. Review status: criteria provided, single submitter. Criteria: Natera Variant Classification Schema (03/2026). Collection method: clinical testing. Allele origin: germline.
Comment: The c.6416G>A variant in EYS is a missense variant predicted to cause substitution of cysteine to tyrosine at amino acid 2139. This variant is rare in the general population with a frequency below the threshold expected for the associated phenotype(s). This variant has been observed in one or more individuals affected with the associated recessive disease, as either homozygous or compound heterozygous with a second variant (PMID: 30029497, 28512305, 32100970, 25753737, 24618324). Computational prediction algorithms indicate this variant is likely to affect gene or protein function. Given the available evidence, this variant is classified as Pathogenic.

Medical and Scientific Branch, Hong Kong Genome Institute
Classification: Pathogenic for Retinitis pigmentosa 25. Last evaluated: 2026-01-26. Review status: criteria provided, single submitter. Criteria: ACMG Guidelines, 2015. Collection method: clinical testing. Allele origin: unknown. Affected: yes.

3billion
Classification: Pathogenic for Retinitis pigmentosa 25. Last evaluated: 2026-01-15. Review status: criteria provided, single submitter. Criteria: ACMG Guidelines, 2015. Collection method: clinical testing. Allele origin: germline. Affected: yes.
Comment: The variant is observed at an extremely low frequency in the gnomAD v4.1.0 dataset (total allele frequency: 0.005%). Predicted Consequence/Location: Missense variant In silico tool prediction suggests damaging effect of the variant on gene or gene product [REVEL: 0.76 (>=0.6, sensitivity 0.68 and specificity 0.92)]. The same nucleotide change resulting in the same amino acid change has been previously reported as pathogenic/likely pathogenic with strong evidence (ClinVar ID: VCV000189230 /PMID: 20333770 /3billion dataset). The variant has been reported to be in trans with a pathogenic variant as either compound heterozygous or homozygous in at least one similarly affected unrelated individual (PMID: 20237254). The variant has been reported to co-segregate with the disease in at least 3 similarly affected relatives/individuals in the same family or similarly affected unrelated families (PMID: 20237254). A different missense change at the same codon (p.Cys2139Arg) has been reported as pathogenic/likely pathogenic with strong evidence (ClinVar ID: VCV001066550 /PMID: 25366773). Therefore, this variant is classified as Pathogenic according to the recommendation of ACMG/AMP guideline.

Labcorp Genetics (formerly Invitae), Labcorp
Classification: Pathogenic. Last evaluated: 2025-11-23. Review status: criteria provided, single submitter. Criteria: Invitae Variant Classification Sherloc (09022015). Collection method: clinical testing. Allele origin: germline.
Comment: This sequence change replaces cysteine, which is neutral and slightly polar, with tyrosine, which is neutral and polar, at codon 2139 of the EYS protein (p.Cys2139Tyr). This variant is present in population databases (rs749909863, gnomAD 0.2%). This missense change has been observed in individual(s) with retinitis pigmentosa (PMID: 20333770, 25356976, 25753737). In at least one individual the data is consistent with being in trans (on the opposite chromosome) from a pathogenic variant. It has also been observed to segregate with disease in related individuals. ClinVar contains an entry for this variant (Variation ID: 189230). Invitae Evidence Modeling of protein sequence and biophysical properties (such as structural, functional, and spatial information, amino acid conservation, physicochemical variation, residue mobility, and thermodynamic stability) indicates that this missense variant is expected to disrupt EYS protein function with a positive predictive value of 80%. For these reasons, this variant has been classified as Pathogenic.

SingHealth Duke-NUS Institute of Precision Medicine
Classification: Likely pathogenic for Retinitis pigmentosa 25. Last evaluated: 2025-02-05. Review status: criteria provided, single submitter. Criteria: PRISM ACMG Classification Criteria. Collection method: clinical testing. Allele origin: germline. Affected: yes.
Comment: Homozygous allele count in gnomAD exomes and genomes are less than 0 (PM2). REVEL score is 0.755 (PP3). Another variant with the same amino acid change has been classified as Likely pathogenic (PS1). Cosegregation with disease phenotypes has been observed in multiple families (PP1, PMID:20237254)

Blueprint Genetics
Classification: Pathogenic for EYS-related disorders. Last evaluated: 2024-11-14. Review status: criteria provided, single submitter. Criteria: ACMG Guidelines, 2015. Collection method: clinical testing. Allele origin: germline. Affected: yes. Observed: 5 variant alleles.

Women's Health and Genetics/Laboratory Corporation of America, LabCorp
Classification: Pathogenic for Retinitis pigmentosa. Last evaluated: 2024-07-31. Review status: criteria provided, single submitter. Criteria: LabCorp Variant Classification Summary - May 2015. Collection method: clinical testing. Allele origin: germline.
Comment: Variant summary: EYS c.6416G>A (p.Cys2139Tyr) results in a non-conservative amino acid change located in the EGF-like domain (IPR000742) of the encoded protein sequence. Four of five in-silico tools predict a damaging effect of the variant on protein function. The variant allele was found at a frequency of 0.00014 in 152386 control chromosomes. This frequency is not significantly higher than estimated for a pathogenic variant in EYS causing Retinitis Pigmentosa (0.00014 vs 0.0034), allowing no conclusion about variant significance. c.6416G>A has been reported in the literature as compound heterozygous or homozygous genotype in multiple individuals affected with autosomal ecessive Retinitis Pigmentosa (Rudo_2010, Chen_2015, Gu_2016). These data indicate that the variant is very likely to be associated with disease. To our knowledge, no experimental evidence demonstrating an impact on protein function has been reported. The following publications have been ascertained in the context of this evaluation (PMID: 20333770, 25753737, 27375351). ClinVar contains an entry for this variant (Variation ID: 189230). Based on the evidence outlined above, the variant was classified as pathogenic.

Fulgent Genetics
Classification: Pathogenic for Retinitis pigmentosa 25. Last evaluated: 2024-04-01. Review status: criteria provided, single submitter. Criteria: ACMG Guidelines, 2015. Collection method: clinical testing. Allele origin: germline.

Baylor Genetics
Classification: Pathogenic for Retinitis pigmentosa 25. Last evaluated: 2024-03-30. Review status: criteria provided, single submitter. Criteria: ACMG Guidelines, 2015. Collection method: clinical testing. Allele origin: unknown.

Dept Of Ophthalmology, Nagoya University
Classification: Pathogenic for Retinal dystrophy. Last evaluated: 2023-10-01. Review status: criteria provided, single submitter. Criteria: Submitter's publication. Collection method: research. Allele origin: germline. Affected: yes.

Institute of Human Genetics, Univ. Regensburg, Univ. Regensburg
Classification: Likely pathogenic for Retinal dystrophy. Last evaluated: 2023-01-01. Review status: criteria provided, single submitter. Criteria: ACMG Guidelines, 2015. Collection method: clinical testing. Allele origin: germline. Affected: yes.

Revvity Omics, Revvity
Classification: Likely pathogenic for Retinitis pigmentosa 25. Last evaluated: 2022-12-14. Review status: criteria provided, single submitter. Criteria: ACMG Guidelines, 2015. Collection method: clinical testing. Allele origin: germline.

MGZ Medical Genetics Center
Classification: Likely pathogenic for Retinitis pigmentosa 25. Last evaluated: 2022-04-11. Review status: criteria provided, single submitter. Criteria: ACMG Guidelines, 2015. Collection method: clinical testing. Allele origin: germline. Affected: yes. Observed: 1 variant allele.
Comment: ACMG criteria applied: PS4, PM3, PM2_SUP, PP3

NM_001142800.2(EYS):c.6416G>A (p.Cys2139Tyr)

Gene: EYS (EGF-like photoreceptor maintenance factor; minus strand). Cytogenetic location: 6q12.
Variant type: single nucleotide variant.
Coding change: c.6416G>A on transcript NM_001142800.2 (MANE Select); coding-DNA position 6416, G replaced by A.
Protein change: p.Cys2139Tyr; replaces cysteine 2139 with tyrosine.
Molecular consequence: missense variant.
Genome position (GRCh38, 1-based): chr6:64,230,600, C>T on the plus strand (G>A on the coding strand, the complement: EYS is on the minus strand). VCF-style: chr6-64230600-C-T. GRCh37 (hg19) VCF-style: chr6-64940493-C-T.
Other names: c.6416G>A, p.Cys2139Tyr (NM_001292009.2); short protein forms C2139Y.
Identifiers: ClinVar variation 189230 (VCV000189230.77), dbSNP rs749909863, ClinGen allele CA199162.